The following is an entry in ClinVar:

NM_001042492.3(NF1):c.4015C>G (p.Leu1339Val)

Gene: NF1 (neurofibromin 1; plus strand). Cytogenetic location: 17q11.2.
Variant type: single nucleotide variant.
Coding change: c.4015C>G on transcript NM_001042492.3 (MANE Select); coding-DNA position 4015, C replaced by G.
Protein change: p.Leu1339Val; replaces leucine 1339 with valine.
Molecular consequence: missense variant.
Genome position (GRCh38, 1-based): chr17:31,249,024, C>G. VCF-style: chr17-31249024-C-G. GRCh37 (hg19) VCF-style: chr17-29576042-C-G.
Other names: c.4015C>G, p.Leu1339Val (NM_000267.4); short protein forms L1339V.
Identifiers: ClinVar variation 233530 (VCV000233530.3), dbSNP rs876660466, ClinGen allele CA10580304.

ClinVar aggregate classification (germline): Uncertain significance (1 of 4 stars; one submission).

Conditions:
Hereditary cancer-predisposing syndrome. Also called: Neoplastic Syndromes, Hereditary; Tumor predisposition; Hereditary Cancer Syndrome; Hereditary neoplastic syndrome. Identifiers: Orphanet 140162, MedGen C0027672, MeSH D009386, MONDO:0015356.

Submission:

Ambry Genetics
Classification: Uncertain significance for Hereditary cancer-predisposing syndrome. Last evaluated: 2015-08-25. Review status: criteria provided, single submitter. Criteria: Ambry Autosomal Dominant and X-Linked criteria (10/2015). Collection method: clinical testing. Allele origin: germline. Observed: 1 variant allele.
Comment: The p.L1339V variant (also known as c.4015C>G), located in coding exon 30 of the NF1 gene, results from a C to G substitution at nucleotide position 4015. The leucine at codon 1339 is replaced by valine, an amino acid with highly similar properties. This variant was not reported in population based cohorts in the following databases: Database of Single Nucleotide Polymorphisms (dbSNP), NHLBI Exome Sequencing Project (ESP), and 1000 Genomes Project. In the ESP, this variant was not observed in 6503 samples (13006 alleles) with coverage at this position. To date, this alteration has been detected with an allele frequency of approximately 0.002% (greater than 55000 alleles tested) in our clinical cohort.This amino acid position is highly conserved in available vertebrate species. In addition, this alteration is predicted to be deleterious by in silico analysis.Since supporting evidence is limited at this time, the clinical significance of p.L1339V remains unclear.